The following is an entry in ClinVar:

NM_000112.4(SLC26A2):c.*443T>C

Gene: SLC26A2 (solute carrier family 26 member 2; plus strand). Cytogenetic location: 5q32.
Variant type: single nucleotide variant.
Coding change: c.*443T>C on transcript NM_000112.4 (MANE Select); 443 bases downstream of the stop codon, T replaced by C.
Molecular consequence: 3 prime UTR variant.
Genome position (GRCh38, 1-based): chr5:149,982,256, T>C. VCF-style: chr5-149982256-T-C. GRCh37 (hg19) VCF-style: chr5-149361819-T-C.
Identifiers: ClinVar variation 907497 (VCV000907497.4), dbSNP rs115977282, ClinGen allele CA129085130.

ClinVar aggregate classification (germline): Conflicting classifications of pathogenicity. Review status: criteria provided, conflicting classifications (1 of 4 stars). 5 submissions from 1 submitter: Uncertain significance (2); Likely benign (3). Last evaluated 2018-01-12.

Conditions:
Sulfate transporter-related osteochondrodysplasia. Also called: DTDST-related dysplasias. Identifiers: MedGen CN120497. Disease mechanism: loss of function.
Achondrogenesis, type IB (ACG1B). Also called: Achondrogenesis Type 1B. Identifiers: Orphanet 932, Orphanet 93298, MedGen C0265274, MONDO:0010966, OMIM 600972.
Multiple epiphyseal dysplasia type 4 (EDM4). Also called: SLC26A2-Related Multiple Epiphyseal Dysplasia; MULTIPLE EPIPHYSEAL DYSPLASIA WITH BILAYERED PATELLAE; MULTIPLE EPIPHYSEAL DYSPLASIA WITH CLUBFOOT; MULTIPLE EPIPHYSEAL DYSPLASIA, AUTOSOMAL RECESSIVE; Multiple Epiphyseal Dysplasia, Recessive. Identifiers: Orphanet 93307, MedGen C1847593, MONDO:0009189, OMIM 226900.
Atelosteogenesis type II (AO2). Also called: Neonatal osseous dysplasia 1; NEONATAL OSSEOUS DYSPLASIA I; SLC26A2-Related Atelosteogenesis. Identifiers: Orphanet 56304, MedGen C1850554, MONDO:0009727, OMIM 256050.
Diastrophic dysplasia (DTD). Also called: Diastrophic dwarfism. Identifiers: Orphanet 628, MedGen C0220726, MONDO:0009107, OMIM 222600.

Allele frequency attached by ClinVar (database versions not stated): 1000 Genomes Project 0.00220; gnomAD 0.00228 and 0.00246; TOPMed 0.00240; 1000 Genomes Project 30x 0.00250.

Submissions (5):

Illumina Laboratory Services, Illumina
Classification: Uncertain significance for Multiple epiphyseal dysplasia type 4. Last evaluated: 2018-01-12. Review status: criteria provided, single submitter. Criteria: ICSL Variant Classification Criteria 13 December 2019. Collection method: clinical testing. Allele origin: germline.

Illumina Laboratory Services, Illumina
Classification: Likely benign for Atelosteogenesis type II. Last evaluated: 2018-01-12. Review status: criteria provided, single submitter. Criteria: ICSL Variant Classification Criteria 13 December 2019. Collection method: clinical testing. Allele origin: germline.
Comment: This variant was observed in the ICSL laboratory as part of a predisposition screen in an ostensibly healthy population. It had not been previously curated by ICSL or reported in the Human Gene Mutation Database (HGMD: prior to June 1st, 2018), and was therefore a candidate for classification through an automated scoring system. Utilizing variant allele frequency, disease prevalence and penetrance estimates, and inheritance mode, an automated score was calculated to assess if this variant is too frequent to cause the disease. Based on the score and internal cut-off values, a variant classified as likely benign is not then subjected to further curation. The score for this variant resulted in a classification of likely benign for this disease.

Illumina Laboratory Services, Illumina
Classification: Likely benign for Achondrogenesis, type IB. Last evaluated: 2018-01-12. Review status: criteria provided, single submitter. Criteria: ICSL Variant Classification Criteria 13 December 2019. Collection method: clinical testing. Allele origin: germline.
Comment: the same text as in the submission from Illumina Laboratory Services, Illumina above.

Illumina Laboratory Services, Illumina
Classification: Uncertain significance for Osteochondrodysplasia. Last evaluated: 2018-01-12. Review status: criteria provided, single submitter. Criteria: ICSL Variant Classification Criteria 13 December 2019. Collection method: clinical testing. Allele origin: germline.

Illumina Laboratory Services, Illumina
Classification: Likely benign for Diastrophic dysplasia. Last evaluated: 2018-01-12. Review status: criteria provided, single submitter. Criteria: ICSL Variant Classification Criteria 13 December 2019. Collection method: clinical testing. Allele origin: germline.
Comment: the same text as in the submission from Illumina Laboratory Services, Illumina above.